The following is an entry in ClinVar:

ClinVar aggregate classification (germline): Uncertain significance (1 of 4 stars; one submission).

gnomAD v4.1: 23 of 1,566,092 alleles (0.0015%); highest among the groups gnomAD compares: East Asian, 0.033%; no homozygotes.

Submission:

Labcorp Genetics (formerly Invitae), Labcorp
Classification: Uncertain significance. Last evaluated: 2025-03-07. Review status: criteria provided, single submitter. Criteria: Invitae Variant Classification Sherloc (09022015). Collection method: clinical testing. Allele origin: germline.
Comment: This sequence change replaces threonine, which is neutral and polar, with methionine, which is neutral and non-polar, at codon 1702 of the MYO7A protein (p.Thr1702Met). The frequency data for this variant in the population databases is considered unreliable, as metrics indicate poor data quality at this position in the gnomAD database. This variant has not been reported in the literature in individuals affected with MYO7A-related conditions. Invitae Evidence Modeling of protein sequence and biophysical properties (such as structural, functional, and spatial information, amino acid conservation, physicochemical variation, residue mobility, and thermodynamic stability) indicates that this missense variant is not expected to disrupt MYO7A protein function with a negative predictive value of 95%. In summary, the available evidence is currently insufficient to determine the role of this variant in disease. Therefore, it has been classified as a Variant of Uncertain Significance.

NM_000260.4(MYO7A):c.5105C>T (p.Thr1702Met)

Gene: MYO7A (myosin VIIA; plus strand). Cytogenetic location: 11q13.5.
Variant type: single nucleotide variant.
Coding change: c.5105C>T on transcript NM_000260.4 (MANE Select); coding-DNA position 5105, C replaced by T.
Protein change: p.Thr1702Met; replaces threonine 1702 with methionine.
Molecular consequence: missense variant.
Genome position (GRCh38, 1-based): chr11:77,202,361, C>T. VCF-style: chr11-77202361-C-T. GRCh37 (hg19) VCF-style: chr11-76913406-C-T.
Other names: c.4991C>T, p.Thr1664Met (NM_001127180.2); c.4958C>T, p.Thr1653Met (NM_001369365.1); short protein forms T1664M, T1702M, T1653M.
Identifiers: ClinVar variation 4742943 (VCV004742943.1).
Genomic context (GRCh38, chr11:77,202,361, plus strand): 5'-CCCTGGTCACCATGACTCCCGATCAGAGGCAGGACGTTGTCCGGCTCTTGCAGCTGCGAA[C>T]GGCGGAGCCCGAGGTGCGTGCCAAGCCCTACACGCTGGAGGAGTTTTCCTATGACTACTT-3'
Protein context (NP_000251.3, residues 1692-1712): QDVVRLLQLR[Thr1702Met]AEPEVRAKPY